The following is an entry in ClinVar:

NM_005633.4(SOS1):c.3387C>T (p.Gly1129=)

Gene: SOS1 (SOS Ras/Rac guanine nucleotide exchange factor 1; minus strand). Cytogenetic location: 2p22.1.
Variant type: single nucleotide variant.
Coding change: c.3387C>T on transcript NM_005633.4 (MANE Select); coding-DNA position 3387, C replaced by T.
Protein change: p.Gly1129=; no amino-acid change (glycine 1129 retained).
Molecular consequence: synonymous variant. On other transcripts: intron variant (1).
Genome position (GRCh38, 1-based): chr2:38,989,274, G>A on the plus strand (C>T on the coding strand, the complement: SOS1 is on the minus strand). VCF-style: chr2-38989274-G-A. GRCh37 (hg19) VCF-style: chr2-39216415-G-A.
Other names: c.3366C>T, p.Gly1122= (NM_001382394.1); c.3347-1683C>T (NM_001382395.1).
Identifiers: ClinVar variation 287831 (VCV000287831.23), dbSNP rs772823827, ClinGen allele CA1624200.

ClinVar aggregate classification (germline): Conflicting classifications of pathogenicity. Review status: criteria provided, conflicting classifications (1 of 4 stars). 7 submissions from 7 submitters: Uncertain significance (3); Likely benign (4). Last evaluated 2026-05-04.

Conditions:
Noonan syndrome (NS). Also called: Noonan's syndrome. Identifiers: Orphanet 648, MedGen C0028326, MeSH D009634, MONDO:0018997. Disease mechanism: gain of function.
SOS1-related disorder. Also called: SOS1-related condition.
RASopathy. Also called: rasopathies; Noonan spectrum disorder. Identifiers: Orphanet 536391, MedGen C5555857, MONDO:0021060.
Cardiovascular phenotype. Identifiers: MedGen CN230736.

Allele frequency attached by ClinVar (database versions not stated): ExAC 0.00003; gnomAD exomes 0.00003; gnomAD 0.00004 and 0.00005; TOPMed 0.00005.
gnomAD v4.1: 48 of 1,599,416 alleles (0.003%); highest among the groups gnomAD compares: Non-Finnish European, 0.0039%; no homozygotes.

Submissions (7):

Women's Health and Genetics/Laboratory Corporation of America, LabCorp
Classification: Likely benign. Last evaluated: 2026-05-04. Review status: criteria provided, single submitter. Criteria: LabCorp Variant Classification Summary - May 2015. Collection method: clinical testing. Allele origin: germline.

Labcorp Genetics (formerly Invitae), Labcorp
Classification: Likely benign for RASopathy. Last evaluated: 2025-12-19. Review status: criteria provided, single submitter. Criteria: Invitae Variant Classification Sherloc (09022015). Collection method: clinical testing. Allele origin: germline.

PreventionGenetics, part of Exact Sciences
Classification: Likely benign for SOS1-related condition. Last evaluated: 2025-05-20. Review status: criteria provided, single submitter. Criteria: ACMG Guidelines, 2015. Collection method: clinical testing. Allele origin: germline.
Comment: This variant is classified as likely benign based on ACMG/AMP sequence variant interpretation guidelines (Richards et al. 2015 PMID: 25741868, with internal and published modifications).

St. Jude Molecular Pathology, St. Jude Children's Research Hospital
Classification: Uncertain significance for Noonan syndrome. Last evaluated: 2021-10-12. Review status: criteria provided, single submitter. Criteria: St. Jude Assertion Criteria 2020. Collection method: clinical testing. Allele origin: germline.
Comment: The SOS1 c.3387C>T (p.Gly1129=) synonymous change has a maximum subpopulation frequency of 0.0070% in gnomAD v2.1.1. This frequency does not meet criteria for PM2 or BS1 as defined by the RASopathy Variant Curation Expert Panel (PMID:29493581). Algorithms that predict the impact of sequence changes on splicing indicate that this variant does not affect splicing (BP4). RNA data demonstrates skipping of exon 21 in approximately 30% of reads (internal data), however the functional significance of this consequence is currently unknown. To our knowledge, this variant has not been reported in individuals with Noonan syndrome. In summary, this variant meets criteria to be classified as of uncertain significance based on the ACMG/AMP criteria, as specified by the RASopathy Variant Curation Expert Panel (PMID:29493581): BP4.

Blueprint Genetics
Classification: Uncertain significance. Last evaluated: 2021-06-28. Review status: criteria provided, single submitter. Criteria: ACMG Guidelines, 2015. Collection method: clinical testing. Allele origin: germline.

Ambry Genetics
Classification: Likely benign for Cardiovascular phenotype. Last evaluated: 2019-11-01. Review status: criteria provided, single submitter. Criteria: Ambry Variant Classification Scheme 2023. Collection method: clinical testing. Allele origin: germline.

Eurofins Ntd Llc (ga)
Classification: Uncertain significance. Last evaluated: 2016-06-01. Review status: criteria provided, single submitter. Criteria: EGL Classification Definitions 2015. Collection method: clinical testing. Allele origin: germline. Observed: 1 variant allele, 1 heterozygote.